The following is an entry in ClinVar:

NM_004204.5(PIGQ):c.1072T>C (p.Tyr358His)

Gene: PIGQ (phosphatidylinositol glycan anchor biosynthesis class Q; plus strand). Cytogenetic location: 16p13.3.
Variant type: single nucleotide variant.
Coding change: c.1072T>C on transcript NM_004204.5 (MANE Select); coding-DNA position 1072, T replaced by C.
Protein change: p.Tyr358His; replaces tyrosine 358 with histidine.
Molecular consequence: missense variant.
Genome position (GRCh38, 1-based): chr16:578,787, T>C. VCF-style: chr16-578787-T-C. GRCh37 (hg19) VCF-style: chr16-628787-T-C.
Other names: c.1072T>C, p.Tyr358His (NM_148920.4); short protein forms Y358H.
Identifiers: ClinVar variation 2050207 (VCV002050207.2), dbSNP rs2505936769, ClinGen allele CA394056539.

ClinVar aggregate classification (germline): Uncertain significance (1 of 4 stars; one submission).

Conditions:
Epilepsy. Also called: Seizure disorder. Identifiers: MedGen C0014544, MeSH D004827, MONDO:0005027.

Allele frequency attached by ClinVar (database versions not stated): gnomAD exomes below 0.00001.
gnomAD v4.1: 5 of 1,613,186 alleles (0.00031%); highest among the groups gnomAD compares: African/African-American, 0.0027%; no homozygotes.

Submission:

Labcorp Genetics (formerly Invitae), Labcorp
Classification: Uncertain significance for Epilepsy. Last evaluated: 2023-12-11. Review status: criteria provided, single submitter. Criteria: Invitae Variant Classification Sherloc (09022015). Collection method: clinical testing. Allele origin: germline.
Comment: This sequence change replaces tyrosine, which is neutral and polar, with histidine, which is basic and polar, at codon 358 of the PIGQ protein (p.Tyr358His). This variant is not present in population databases (gnomAD no frequency). This variant has not been reported in the literature in individuals affected with PIGQ-related conditions. ClinVar contains an entry for this variant (Variation ID: 2050207). An algorithm developed to predict the effect of missense changes on protein structure and function (PolyPhen-2) suggests that this variant is likely to be disruptive. In summary, the available evidence is currently insufficient to determine the role of this variant in disease. Therefore, it has been classified as a Variant of Uncertain Significance.